The following is an entry in ClinVar:

NM_033004.4(NLRP1):c.1733G>T (p.Gly578Val)

Gene: NLRP1 (NLR family pyrin domain containing 1; minus strand). Cytogenetic location: 17p13.2.
Variant type: single nucleotide variant.
Coding change: c.1733G>T on transcript NM_033004.4 (MANE Select); coding-DNA position 1733, G replaced by T.
Protein change: p.Gly578Val; replaces glycine 578 with valine.
Molecular consequence: missense variant.
Genome position (GRCh38, 1-based): chr17:5,558,963, C>A on the plus strand (G>T on the coding strand, the complement: NLRP1 is on the minus strand). VCF-style: chr17-5558963-C-A. GRCh37 (hg19) VCF-style: chr17-5462283-C-A.
Other names: c.1733G>T, p.Gly578Val (NM_001033053.3, NM_014922.5, NM_033006.4 and 1 more transcripts); short protein forms G578V.
Identifiers: ClinVar variation 1301556 (VCV001301556.4), dbSNP rs763921064, ClinGen allele CA8327331.

ClinVar aggregate classification (germline): Uncertain significance. Review status: criteria provided, multiple submitters, no conflicts (2 of 4 stars). 3 submissions from 3 submitters: Uncertain significance (3). Last evaluated 2025-12-10.

Allele frequency attached by ClinVar (database versions not stated): gnomAD exomes below 0.00001; TOPMed below 0.00001; ExAC 0.00001.
gnomAD v4.1: 10 of 1,614,028 alleles (0.00062%); highest among the groups gnomAD compares: African/African-American, 0.0013%; no homozygotes.

Submissions (3):

Labcorp Genetics (formerly Invitae), Labcorp
Classification: Uncertain significance. Last evaluated: 2025-12-10. Review status: criteria provided, single submitter. Criteria: Invitae Variant Classification Sherloc (09022015). Collection method: clinical testing. Allele origin: germline.
Comment: This sequence change replaces glycine, which is neutral and non-polar, with valine, which is neutral and non-polar, at codon 578 of the NLRP1 protein (p.Gly578Val). This variant is present in population databases (rs763921064, gnomAD 0.0009%). This variant has not been reported in the literature in individuals affected with NLRP1-related conditions. ClinVar contains an entry for this variant (Variation ID: 1301556). An algorithm developed to predict the effect of missense changes on protein structure and function (PolyPhen-2) suggests that this variant is likely to be disruptive. In summary, the available evidence is currently insufficient to determine the role of this variant in disease. Therefore, it has been classified as a Variant of Uncertain Significance.

Dubai Health Genomic Medicine Center, Dubai Health
Classification: Uncertain significance. Last evaluated: 2020-07-22. Review status: criteria provided, single submitter. Criteria: ACMG Guidelines, 2015. Collection method: clinical testing. Allele origin: germline. Affected: yes.
Comment: The .Gly578Val variant in NLRP1 has not been previously reported in individuals with disease but was identified in 1/113758 European Non Finnish alleles in the Genome Aggregation Database (gnomAD). Computational prediction tools and conservation analyses suggest a possible impact to the protein function though this information is not predictive enough to confirm pathogenicity. In summary additional information is needed to fully assess the clinical significance of this variant.

Blueprint Genetics
Classification: Uncertain significance. Last evaluated: 2018-11-06. Review status: criteria provided, single submitter. Criteria: ACMG Guidelines, 2015. Collection method: clinical testing. Allele origin: germline.